The following is an entry in ClinVar:

ClinVar aggregate classification (germline): Benign/Likely benign. Review status: criteria provided, multiple submitters, no conflicts (2 of 4 stars). 5 submissions from 5 submitters: Benign (4); Likely benign (1). Last evaluated 2026-02-01.

Conditions:
Epidermolysis bullosa, junctional 6, with pyloric atresia. Also called: ITGA6-Related Epidermolysis Bullosa with Pyloric Atresia. Identifiers: MedGen C5676957, MONDO:0859233, OMIM 619817.
Junctional epidermolysis bullosa with pyloric atresia. Also called: CARMI SYNDROME; EB-PA-ACC; ITGB4-Related Epidermolysis Bullosa with Pyloric Atresia; APLASIA CUTIS CONGENITA WITH GASTROINTESTINAL ATRESIA; Epidermolysis bullosa, junctional, with pyloric atresia and aplasia cutis congenita; Epidermolysis bullosa junctionalis with pyloric atresia. Identifiers: Orphanet 79403, MedGen C5676875, MONDO:0009183, OMIM 226730.

Allele frequency attached by ClinVar (database versions not stated): gnomAD 0.00239 and 0.00402; gnomAD exomes 0.00460 and 0.00821; ESP Exome Variant Server 0.00231; ExAC 0.00898; 1000 Genomes Project 0.01597; TOPMed 0.00328; 1000 Genomes Project 30x 0.01530.
gnomAD v4.1: 7,473 of 1,613,798 alleles (0.46%); highest among the groups gnomAD compares: South Asian, 5.1%; 190 homozygotes.

Submissions (5):

Labcorp Genetics (formerly Invitae), Labcorp
Classification: Benign. Last evaluated: 2026-02-01. Review status: criteria provided, single submitter. Criteria: Invitae Variant Classification Sherloc (09022015). Collection method: clinical testing. Allele origin: germline.

Fulgent Genetics
Classification: Likely benign for Epidermolysis bullosa, junctional 6, with pyloric atresia. Last evaluated: 2021-07-19. Review status: criteria provided, single submitter. Criteria: ACMG Guidelines, 2015. Collection method: clinical testing. Allele origin: unknown.

GeneDx
Classification: Benign. Last evaluated: 2021-05-05. Review status: criteria provided, single submitter. Criteria: GeneDx Variant Classification Process June 2021. Collection method: clinical testing. Allele origin: germline. Affected: yes.

Illumina Laboratory Services, Illumina
Classification: Benign for Junctional epidermolysis bullosa with pyloric atresia. Last evaluated: 2018-01-13. Review status: criteria provided, single submitter. Criteria: ICSL Variant Classification Criteria 13 December 2019. Collection method: clinical testing. Allele origin: germline.
Comment: This variant was observed in the ICSL laboratory as part of a predisposition screen in an ostensibly healthy population. It had not been previously curated by ICSL or reported in the Human Gene Mutation Database (HGMD: prior to June 1st, 2018), and was therefore a candidate for classification through an automated scoring system. Utilizing variant allele frequency, disease prevalence and penetrance estimates, and inheritance mode, an automated score was calculated to assess if this variant is too frequent to cause the disease. Based on the score and internal cut-off values, a variant classified as benign is not then subjected to further curation. The score for this variant resulted in a classification of benign for this disease.

Breakthrough Genomics
Classification: Benign. Review status: criteria provided, single submitter. Criteria: ACMG Guidelines, 2015. Collection method: not provided. Allele origin: germline. Inheritance: Autosomal recessive inheritance. Affected: yes.

NM_000210.4(ITGA6):c.2989-6C>T

Genes: ITGA6 (integrin subunit alpha 6; plus strand), PDK1-AS1 (PDK1 and ITGA6 antisense RNA 1; minus strand). Cytogenetic location: 2q31.1.
Variant type: single nucleotide variant.
Coding change: c.2989-6C>T on transcript NM_000210.4 (MANE Select); 6 bases into the intron before coding-DNA position 2989, C replaced by T.
Molecular consequence: intron variant.
Genome position (GRCh38, 1-based): chr2:172,497,969, C>T. VCF-style: chr2-172497969-C-T. GRCh37 (hg19) VCF-style: chr2-173362697-C-T.
Other names: c.2632-6C>T (NM_001316306.2); c.2989-6C>T (NM_001079818.3); c.2944-6C>T (NM_001365530.2, NM_001365529.2).
Identifiers: ClinVar variation 332386 (VCV000332386.18), dbSNP rs147900066, ClinGen allele CA1968567.